The following is an entry in ClinVar:

ClinVar aggregate classification (germline): Uncertain significance (1 of 4 stars; one submission).

gnomAD v4.1: 1 of 1,607,974 alleles (0.000062%); highest among the groups gnomAD compares: Non-Finnish European, 0.000085%; no homozygotes.

Submission:

Labcorp Genetics (formerly Invitae), Labcorp
Classification: Uncertain significance. Last evaluated: 2022-02-10. Review status: criteria provided, single submitter. Criteria: Invitae Variant Classification Sherloc (09022015). Collection method: clinical testing. Allele origin: germline.
Comment: In summary, the available evidence is currently insufficient to determine the role of this variant in disease. Therefore, it has been classified as a Variant of Uncertain Significance. Algorithms developed to predict the effect of missense changes on protein structure and function output the following: SIFT: "Not Available"; PolyPhen-2: "Benign"; Align-GVGD: "Not Available". The alanine amino acid residue is found in multiple mammalian species, which suggests that this missense change does not adversely affect protein function. This variant has not been reported in the literature in individuals affected with LOX-related conditions. This variant is not present in population databases (gnomAD no frequency). This sequence change replaces glycine, which is neutral and non-polar, with alanine, which is neutral and non-polar, at codon 111 of the LOX protein (p.Gly111Ala).

NM_002317.7(LOX):c.332G>C (p.Gly111Ala)

Genes: LOX (lysyl oxidase; minus strand), SRFBP1 (serum response factor binding protein 1; plus strand). Cytogenetic location: 5q23.1.
Variant type: single nucleotide variant.
Coding change: c.332G>C on transcript NM_002317.7 (MANE Select); coding-DNA position 332, G replaced by C.
Protein change: p.Gly111Ala; replaces glycine 111 with alanine.
Molecular consequence: missense variant.
Genome position (GRCh38, 1-based): chr5:122,077,654, C>G on the plus strand (G>C on the coding strand, the complement: LOX is on the minus strand). VCF-style: chr5-122077654-C-G. GRCh37 (hg19) VCF-style: chr5-121413349-C-G.
Other names: short protein forms G111A.
Identifiers: ClinVar variation 1470236 (VCV001470236.8), dbSNP rs1222871851, ClinGen allele CA360876846.
Genomic context (GRCh38, chr5:122,077,654, plus strand): 5'-GTCGAGTAGCCAGCTTGGAACCAGTGACGGGCGGTGGGCCTGGGGCGGCCAGCGGTGACT[C>G]CAGATGAGCCGGCCGTCCGCGTTCGCGCCGCGGCGGTGCGGTTGTCGCGGATCAGCAGGA-3'
Protein context (NP_002308.2, residues 101-121): AARTRTAGSS[Gly111Ala]VTAGRPRPTA